The following is an entry in ClinVar:

NM_005535.3(IL12RB1):c.1058G>A (p.Gly353Glu)

Gene: IL12RB1 (interleukin 12 receptor subunit beta 1; minus strand). Cytogenetic location: 19p13.11.
Variant type: single nucleotide variant.
Coding change: c.1058G>A on transcript NM_005535.3 (MANE Select); coding-DNA position 1058, G replaced by A.
Protein change: p.Gly353Glu; replaces glycine 353 with glutamic acid.
Molecular consequence: missense variant.
Genome position (GRCh38, 1-based): chr19:18,069,677, C>T on the plus strand (G>A on the coding strand, the complement: IL12RB1 is on the minus strand). VCF-style: chr19-18069677-C-T. GRCh37 (hg19) VCF-style: chr19-18180487-C-T.
Other names: c.1058G>A, p.Gly353Glu (NM_001290023.2); c.1178G>A, p.Gly393Glu (NM_001290024.2); short protein forms G393E, G353E.
Identifiers: ClinVar variation 1350965 (VCV001350965.4), dbSNP rs111768826, ClinGen allele CA9304972.

ClinVar aggregate classification (germline): Uncertain significance (1 of 4 stars; one submission).

Conditions:
Mendelian susceptibility to mycobacterial diseases due to complete IL12RB1 deficiency. Also called: IL12RB1 DEFICIENCY; Immunodeficiency 30. Identifiers: Orphanet 319552, MedGen C4013949, MONDO:0013955, OMIM 614891.

Allele frequency attached by ClinVar (database versions not stated): TOPMed 0.00007; gnomAD exomes 0.00004 and 0.00001; ExAC 0.00002; gnomAD 0.00006 and 0.00009.
gnomAD v4.1: 80 of 1,612,790 alleles (0.005%); highest among the groups gnomAD compares: African/African-American, 0.015%; no homozygotes.

Submission:

Labcorp Genetics (formerly Invitae), Labcorp
Classification: Uncertain significance for Mendelian susceptibility to mycobacterial diseases due to complete IL12RB1 deficiency. Last evaluated: 2024-09-21. Review status: criteria provided, single submitter. Criteria: Invitae Variant Classification Sherloc (09022015). Collection method: clinical testing. Allele origin: germline.
Comment: This sequence change replaces glycine, which is neutral and non-polar, with glutamic acid, which is acidic and polar, at codon 353 of the IL12RB1 protein (p.Gly353Glu). This variant is present in population databases (rs111768826, gnomAD 0.01%). This variant has not been reported in the literature in individuals affected with IL12RB1-related conditions. ClinVar contains an entry for this variant (Variation ID: 1350965). Invitae Evidence Modeling of protein sequence and biophysical properties (such as structural, functional, and spatial information, amino acid conservation, physicochemical variation, residue mobility, and thermodynamic stability) indicates that this missense variant is not expected to disrupt IL12RB1 protein function with a negative predictive value of 80%. In summary, the available evidence is currently insufficient to determine the role of this variant in disease. Therefore, it has been classified as a Variant of Uncertain Significance.